The following is an entry in ClinVar:

NM_014264.5(PLK4):c.2751G>C (p.Leu917Phe)

Gene: PLK4 (polo like kinase 4; plus strand). Cytogenetic location: 4q28.1.
Variant type: single nucleotide variant.
Coding change: c.2751G>C on transcript NM_014264.5 (MANE Select); coding-DNA position 2751, G replaced by C.
Protein change: p.Leu917Phe; replaces leucine 917 with phenylalanine.
Molecular consequence: missense variant.
Genome position (GRCh38, 1-based): chr4:127,896,848, G>C. VCF-style: chr4-127896848-G-C. GRCh37 (hg19) VCF-style: chr4-128818003-G-C.
Other names: c.2655G>C, p.Leu885Phe (NM_001190799.2); c.2628G>C, p.Leu876Phe (NM_001190801.2); short protein forms L876F, L885F, L917F.
Identifiers: ClinVar variation 1412117 (VCV001412117.8), dbSNP rs1735585486, ClinGen allele CA358165412.

ClinVar aggregate classification (germline): Uncertain significance (1 of 4 stars; one submission).

Submission:

Labcorp Genetics (formerly Invitae), Labcorp
Classification: Uncertain significance. Last evaluated: 2022-08-31. Review status: criteria provided, single submitter. Criteria: Invitae Variant Classification Sherloc (09022015). Collection method: clinical testing. Allele origin: germline.
Comment: This variant has not been reported in the literature in individuals affected with PLK4-related conditions. This variant is not present in population databases (gnomAD no frequency). This sequence change replaces leucine, which is neutral and non-polar, with phenylalanine, which is neutral and non-polar, at codon 917 of the PLK4 protein (p.Leu917Phe). ClinVar contains an entry for this variant (Variation ID: 1412117). In summary, the available evidence is currently insufficient to determine the role of this variant in disease. Therefore, it has been classified as a Variant of Uncertain Significance. Algorithms developed to predict the effect of missense changes on protein structure and function are either unavailable or do not agree on the potential impact of this missense change (SIFT: "Deleterious"; PolyPhen-2: "Probably Damaging"; Align-GVGD: "Class C0").